The following is an entry in ClinVar:

ClinVar aggregate classification (germline): Pathogenic/Likely pathogenic. Review status: criteria provided, multiple submitters, no conflicts (2 of 4 stars). 4 submissions from 4 submitters: Pathogenic (3); Likely pathogenic (1). Last evaluated 2024-10-17.

Conditions:
COL4A5-related disorders.
X-linked Alport syndrome (ATS1). Also called: COL4A5-Related Nephropathy; NEPHROPATHY AND DEAFNESS, X-LINKED. Identifiers: Orphanet 63, Orphanet 88917, MedGen C4746986, MONDO:0010520, OMIM 301050.

Submissions (4):

Victorian Clinical Genetics Services, Murdoch Childrens Research Institute
Classification: Pathogenic for X-linked Alport syndrome. Last evaluated: 2024-10-17. Review status: criteria provided, single submitter. Criteria: ACMG Guidelines, 2015. Collection method: clinical testing. Allele origin: germline. Affected: yes.
Comment: This variant is classified as Pathogenic. Evidence in support of pathogenic classification: Variant is absent from gnomAD (both v2 and v3); This variant has moderate previous evidence of pathogenicity in unrelated individuals with Alport syndrome (ClinVar, LOVD, PMIDs: 17277342). Notably, this variant has been detected in patients with Alport syndrome with late onset renal failure without hearing loss or eye abnormalities (PMIDs: 17277342, VCGS cohort); This variant has strong evidence for segregation with disease. It has been reported in a multi-generational family with Alport syndrome (PMID: 17277342); This variant has moderate functional evidence supporting abnormal protein function. Functional analysis showed a significant reduction in heterotrimer formation and secretion (PMID: 20130921); Other missense variants comparable to the one identified in this case have moderate previous evidence for pathogenicity. Changes to serine and tryptophan have been reported as pathogenic or likely pathogenic in individuals with Alport syndrome (ClinVar, LOVD, PMIDs: 26809805, 29270492); Missense variant consistently predicted to be damaging by multiple in silico tools or highly conserved with a major amino acid change. Additional information: Variant is predicted to result in a missense amino acid change from cysteine to tyrosine; This variant is heterozygous; This gene is associated with X-linked dominant disease. Males are typically more severely affected than females (PMID: 19965530); Variant is located in the annotated C4 domain (DECIPHER); Dominant negative and loss of function are known mechanisms of disease in this gene and are associated with X-linked Alport syndrome 1 (MIM#301050). Dominant negative is caused mostly by glycine substitutions that affect the conformation of the protein, and loss of function can be caused by either protein truncating or missense variants (PMIDs: 24046192, 12028435); Variants in this gene are known to have variable expressivity. There is intrafamilial variability among affected carrier females, possibly due to variable X-inactivation (PMID: 14514738); Inheritance information for this variant is not currently available in this individual.

Fulgent Genetics
Classification: Likely pathogenic for X-linked Alport syndrome. Last evaluated: 2024-05-07. Review status: criteria provided, single submitter. Criteria: ACMG Guidelines, 2015. Collection method: clinical testing. Allele origin: germline.

Labcorp Genetics (formerly Invitae), Labcorp
Classification: Pathogenic. Last evaluated: 2021-12-09. Review status: criteria provided, single submitter. Criteria: Invitae Variant Classification Sherloc (09022015). Collection method: clinical testing. Allele origin: germline.
Comment: For these reasons, this variant has been classified as Pathogenic. Experimental studies have shown that this missense change affects COL4A5 function (PMID: 20130921). Advanced modeling of protein sequence and biophysical properties (such as structural, functional, and spatial information, amino acid conservation, physicochemical variation, residue mobility, and thermodynamic stability) performed at Invitae indicates that this missense variant is expected to disrupt COL4A5 protein function. ClinVar contains an entry for this variant (Variation ID: 24780). This missense change has been observed in individual(s) with Alport syndrome (PMID: 17277342). It has also been observed to segregate with disease in related individuals. This variant is not present in population databases (gnomAD no frequency). This sequence change replaces cysteine, which is neutral and slightly polar, with tyrosine, which is neutral and polar, at codon 1638 of the COL4A5 protein (p.Cys1638Tyr).

Blueprint Genetics
Classification: Pathogenic for COL4A5-related disorders. Last evaluated: 2021-08-26. Review status: criteria provided, single submitter. Criteria: ACMG Guidelines, 2015. Collection method: clinical testing. Allele origin: germline. Affected: yes. Observed: 1 variant allele.

Literature cited by the submitters: PubMed 24046192 (cited by Victorian Clinical Genetics Services, Murdoch Childrens Research Institute); PubMed 20130921 (cited by Victorian Clinical Genetics Services, Murdoch Childrens Research Institute and Labcorp Genetics (formerly Invitae), Labcorp); PubMed 17277342 (cited by Victorian Clinical Genetics Services, Murdoch Childrens Research Institute and Labcorp Genetics (formerly Invitae), Labcorp); PubMed 12028435 (cited by Victorian Clinical Genetics Services, Murdoch Childrens Research Institute); PubMed 14514738 (cited by Victorian Clinical Genetics Services, Murdoch Childrens Research Institute); PubMed 19965530 (cited by Victorian Clinical Genetics Services, Murdoch Childrens Research Institute); PubMed 29270492 (cited by Victorian Clinical Genetics Services, Murdoch Childrens Research Institute); PubMed 26809805 (cited by Victorian Clinical Genetics Services, Murdoch Childrens Research Institute).

NM_033380.3(COL4A5):c.4931G>A (p.Cys1644Tyr)

Gene: COL4A5 (collagen type IV alpha 5 chain; plus strand). Cytogenetic location: Xq22.3.
Variant type: single nucleotide variant.
Coding change: c.4931G>A on transcript NM_033380.3 (MANE Select); coding-DNA position 4931, G replaced by A.
Protein change: p.Cys1644Tyr; replaces cysteine 1644 with tyrosine.
Molecular consequence: missense variant.
Genome position (GRCh38, 1-based): chrX:108,695,376, G>A. VCF-style: chrX-108695376-G-A. GRCh37 (hg19) VCF-style: chrX-107938606-G-A.
Other names: c.4913G>A, p.Cys1638Tyr (NM_000495.5); c.4931G>A (NM_033380.2); short protein forms C1638Y, C1644Y.
Identifiers: ClinVar variation 24780 (VCV000024780.19), dbSNP rs104886302, ClinGen allele CA259134.